The following is an entry in ClinVar:

ClinVar aggregate classification (germline): Uncertain significance (1 of 4 stars; one submission).

Submission:

GeneDx
Classification: Uncertain significance. Last evaluated: 2024-04-30. Review status: criteria provided, single submitter. Criteria: GeneDx Variant Classification Process June 2021. Collection method: clinical testing. Allele origin: germline. Affected: yes.
Comment: Not observed at significant frequency in large population cohorts (gnomAD); In silico analysis supports that this missense variant has a deleterious effect on protein structure/function; Has not been previously published as pathogenic or benign to our knowledge

NM_004370.6(COL12A1):c.6940C>G (p.Arg2314Gly)

Gene: COL12A1 (collagen type XII alpha 1 chain; minus strand). Cytogenetic location: 6q13.
Variant type: single nucleotide variant.
Coding change: c.6940C>G on transcript NM_004370.6 (MANE Select); coding-DNA position 6940, C replaced by G.
Protein change: p.Arg2314Gly; replaces arginine 2314 with glycine.
Molecular consequence: missense variant.
Genome position (GRCh38, 1-based): chr6:75,123,336, G>C on the plus strand (C>G on the coding strand, the complement: COL12A1 is on the minus strand). VCF-style: chr6-75123336-G-C. GRCh37 (hg19) VCF-style: chr6-75833052-G-C.
Other names: c.6940C>G, p.Arg2314Gly (NM_001424113.1); c.6919C>G, p.Arg2307Gly (NM_001424114.1); c.6667C>G, p.Arg2223Gly (NM_001424115.1); c.3448C>G, p.Arg1150Gly (NM_001424116.1, NM_080645.3); short protein forms R1150G, R2223G, R2307G, R2314G.
Identifiers: ClinVar variation 3383523 (VCV003383523.1).